The following is an entry in ClinVar:

NM_004380.3(CREBBP):c.1416C>T (p.Asn472=)

Gene: CREBBP (CREB binding lysine acetyltransferase; minus strand). Cytogenetic location: 16p13.3.
Variant type: single nucleotide variant.
Coding change: c.1416C>T on transcript NM_004380.3 (MANE Select); coding-DNA position 1416, C replaced by T.
Protein change: p.Asn472=; no amino-acid change (asparagine 472 retained).
Molecular consequence: synonymous variant.
Genome position (GRCh38, 1-based): chr16:3,782,841, G>A on the plus strand (C>T on the coding strand, the complement: CREBBP is on the minus strand). VCF-style: chr16-3782841-G-A. GRCh37 (hg19) VCF-style: chr16-3832842-G-A.
Other names: c.1416C>T (NM_004380.2); c.1302C>T, p.Asn434= (NM_001079846.1).
Identifiers: ClinVar variation 2771631 (VCV002771631.5), dbSNP rs2053304462, ClinGen allele CA493276851.

ClinVar aggregate classification (germline): Likely benign. Review status: criteria provided, multiple submitters, no conflicts (2 of 4 stars). 3 submissions from 3 submitters: Likely benign (3). Last evaluated 2025-07-28.

Conditions:
CREBBP-related disorder. Also called: CREBBP-related disorders; CREBBP-related condition.
Rubinstein-Taybi syndrome (RSTS). Identifiers: Orphanet 783, MedGen C0035934, MONDO:0019188.

Allele frequency attached by ClinVar (database versions not stated): gnomAD exomes 0.00001.
gnomAD v4.1: 5 of 1,614,150 alleles (0.00031%); highest among the groups gnomAD compares: Non-Finnish European, 0.00042%; no homozygotes.

Submissions (3):

Women's Health and Genetics/Laboratory Corporation of America, LabCorp
Classification: Likely benign. Last evaluated: 2025-07-28. Review status: criteria provided, single submitter. Criteria: LabCorp Variant Classification Summary - May 2015. Collection method: clinical testing. Allele origin: germline.

PreventionGenetics, part of Exact Sciences
Classification: Likely benign for CREBBP-related condition. Last evaluated: 2025-06-13. Review status: criteria provided, single submitter. Criteria: ACMG Guidelines, 2015. Collection method: clinical testing. Allele origin: germline.
Comment: This variant is classified as likely benign based on ACMG/AMP sequence variant interpretation guidelines (Richards et al. 2015 PMID: 25741868, with internal and published modifications).

Labcorp Genetics (formerly Invitae), Labcorp
Classification: Likely benign for Rubinstein-Taybi syndrome. Last evaluated: 2024-04-22. Review status: criteria provided, single submitter. Criteria: Invitae Variant Classification Sherloc (09022015). Collection method: clinical testing. Allele origin: germline.